The following is an entry in ClinVar:

NM_001330360.2(POLA1):c.1657A>G (p.Met553Val)

Gene: POLA1 (DNA polymerase alpha 1, catalytic subunit; plus strand). Cytogenetic location: Xp22.11.
Variant type: single nucleotide variant.
Coding change: c.1657A>G on transcript NM_001330360.2 (MANE Select); coding-DNA position 1657, A replaced by G.
Protein change: p.Met553Val; replaces methionine 553 with valine.
Molecular consequence: missense variant. On other transcripts: non-coding transcript variant (2).
Genome position (GRCh38, 1-based): chrX:24,727,907, A>G. VCF-style: chrX-24727907-A-G. GRCh37 (hg19) VCF-style: chrX-24746024-A-G.
Other names: c.1582A>G, p.Met528Val (NM_001378303.1); c.1657A>G, p.Met553Val (NM_001440806.1); c.1639A>G, p.Met547Val (NM_016937.4); short protein forms M528V, M547V, M553V.
Identifiers: ClinVar variation 4535590 (VCV004535590.1).

ClinVar aggregate classification (germline): Uncertain significance (1 of 4 stars; one submission).

gnomAD v4.1: 2 of 1,208,092 alleles (0.00017%); highest among the groups gnomAD compares: Admixed American, 0.0022%; no homozygotes.

Submission:

Women's Health and Genetics/Laboratory Corporation of America, LabCorp
Classification: Uncertain significance. Last evaluated: 2025-09-11. Review status: criteria provided, single submitter. Criteria: LabCorp Variant Classification Summary - May 2015. Collection method: clinical testing. Allele origin: germline.
Comment: Variant summary: POLA1 c.1639A>G (p.Met547Val) results in a conservative amino acid change in the encoded protein sequence. Algorithms developed to predict the effect of missense changes on protein structure and function all suggest that this variant is likely to be tolerated. The variant allele was found at a frequency of 5.5e-06 in 181830 control chromosomes. The available data on variant occurrences in the general population are insufficient to allow any conclusion about variant significance. To our knowledge, no occurrence of c.1639A>G in individuals affected with POLA1-related conditions and no experimental evidence demonstrating its impact on protein function have been reported. No submitters have cited clinical-significance assessments for this variant to ClinVar. Based on the evidence outlined above, the variant was classified as uncertain significance.